The following is an entry in ClinVar:

ClinVar aggregate classification (germline): Conflicting classifications of pathogenicity. Review status: criteria provided, conflicting classifications (1 of 4 stars). 4 submissions from 4 submitters: Uncertain significance (1); Likely benign (2). 1 of the submissions does not count toward it. Last evaluated 2023-08-09.

Conditions:
Microcephaly 5, primary, autosomal recessive (MCPH5). Also called: ASPM Primary Microcephaly. Identifiers: Orphanet 2512, MedGen C1837501, MONDO:0012106, OMIM 608716.
ASPM-related disorder. Also called: ASPM-related condition.

Allele frequency attached by ClinVar (database versions not stated): TOPMed 0.00006; gnomAD exomes 0.00014; ExAC 0.00017; 1000 Genomes Project 30x 0.00031; 1000 Genomes Project 0.00040.
gnomAD v4.1: 363 of 1,612,946 alleles (0.023%); highest among the groups gnomAD compares: East Asian, 0.8%; 3 homozygotes.

Submissions (5):

Labcorp Genetics (formerly Invitae), Labcorp
Classification: Likely benign. Last evaluated: 2023-08-09. Review status: criteria provided, single submitter. Criteria: Invitae Variant Classification Sherloc (09022015). Collection method: clinical testing. Allele origin: germline.

GeneDx
Classification: Likely benign. Last evaluated: 2020-02-27. Review status: criteria provided, single submitter. Criteria: GeneDx Variant Classification Process June 2021. Collection method: clinical testing. Allele origin: germline. Affected: yes.

Illumina Laboratory Services, Illumina
Classification: Uncertain significance for Microcephaly 5, primary, autosomal recessive. Last evaluated: 2018-01-12. Review status: criteria provided, single submitter. Criteria: ICSL Variant Classification Criteria 13 December 2019. Collection method: clinical testing. Allele origin: germline.

PreventionGenetics, part of Exact Sciences
Classification: Likely benign for ASPM-related condition. Last evaluated: 2023-11-11. Review status: no assertion criteria provided. Collection method: clinical testing. Allele origin: germline. Not counted in ClinVar's aggregate classification.
Comment: This variant is classified as likely benign based on ACMG/AMP sequence variant interpretation guidelines (Richards et al. 2015 PMID: 25741868, with internal and published modifications).

Dr. Peter K. Rogan Lab, Western University
No classification provided (evidence only). Condition: Malignant tumor of esophagus. Review status: no classification provided. Collection method: in vitro. Allele origin: not applicable. Functional consequence: retained intron. Not counted in ClinVar's aggregate classification.

NM_018136.5(ASPM):c.4975G>T (p.Val1659Phe)

Gene: ASPM (assembly factor for spindle microtubules; minus strand). Cytogenetic location: 1q31.3.
Variant type: single nucleotide variant.
Coding change: c.4975G>T on transcript NM_018136.5 (MANE Select); coding-DNA position 4975, G replaced by T.
Protein change: p.Val1659Phe; replaces valine 1659 with phenylalanine.
Molecular consequence: missense variant. On other transcripts: intron variant (1).
Genome position (GRCh38, 1-based): chr1:197,104,276, C>A on the plus strand (G>T on the coding strand, the complement: ASPM is on the minus strand). VCF-style: chr1-197104276-C-A. GRCh37 (hg19) VCF-style: chr1-197073406-C-A.
Other names: c.4066-8112G>T (NM_001206846.2); short protein forms V1659F.
Identifiers: ClinVar variation 876854 (VCV000876854.13), dbSNP rs560847421, ClinGen allele CA1309833.